The following is an entry in ClinVar:

ClinVar aggregate classification (germline): Uncertain significance (1 of 4 stars; one submission).

Conditions:
Developmental delay with or without dysmorphic facies and autism. Identifiers: MedGen C5193106, MONDO:0032760, OMIM 618454.

gnomAD v4.1: 7 of 1,613,888 alleles (0.00043%); highest among the groups gnomAD compares: African/African-American, 0.0027%; no homozygotes.

Submission:

Clinical Genomics Laboratory, Washington University in St. Louis
Classification: Uncertain significance for Developmental delay with or without dysmorphic facies and autism. Last evaluated: 2025-09-05. Review status: criteria provided, single submitter. Criteria: ACMG Guidelines, 2015. Collection method: clinical testing. Allele origin: germline.
Comment: The TRRAP c.7439G>A (p.Arg2480His) variant, to our knowledge, has not been reported in the medical literature. This variant is absent from the general population (gnomAD v2.1.1), indicating it is not a common variant. Computational predictors are uncertain as to the impact of this variant on TRRAP function. The TRRAP gene has a low rate of benign missense variation, and pathogenic missense variants are a common mechanism of disease. Due to limited information, and based on ACMG/AMP guidelines for variant interpretation (Richards S et al., PMID: 25741868), the clinical significance of this variant is uncertain at this time.

NM_001375524.1(TRRAP):c.7439G>A (p.Arg2480His)

Gene: TRRAP (transformation/transcription domain associated protein; plus strand). Cytogenetic location: 7q22.1.
Variant type: single nucleotide variant.
Coding change: c.7439G>A on transcript NM_001375524.1 (MANE Select); coding-DNA position 7439, G replaced by A.
Protein change: p.Arg2480His; replaces arginine 2480 with histidine.
Molecular consequence: missense variant.
Genome position (GRCh38, 1-based): chr7:98,967,625, G>A. VCF-style: chr7-98967625-G-A. GRCh37 (hg19) VCF-style: chr7-98565248-G-A.
Other names: c.7364G>A, p.Arg2455His (NM_003496.4); c.7418G>A, p.Arg2473His (NM_001244580.2); short protein forms R2455H, R2473H, R2480H.
Identifiers: ClinVar variation 4279914 (VCV004279914.1).
Genomic context (GRCh38, chr7:98,967,625, plus strand): 5'-TCATCAGGGCAAAGTTTTTCGAGGTTTTTGACAACTCCATGAAACGTCGTGTCTACGAGC[G>A]CTTGCTCTATGTGACCTGTTCGCAGAACTGGGAAGCCATGGGGAACCACTTCTGGATCAA-3'
Protein context (NP_001362453.1, residues 2470-2490): DNSMKRRVYE[Arg2480His]LLYVTCSQNW